The following is an entry in ClinVar:

ClinVar aggregate classification (germline): Pathogenic (1 of 4 stars; one submission).

Conditions:
Propionic acidemia (PROP). Also called: GLYCINEMIA, KETOTIC; HYPERGLYCINEMIA WITH KETOACIDOSIS AND LEUKOPENIA; KETOTIC HYPERGLYCINEMIA. Identifiers: Orphanet 35, MedGen C0268579, MONDO:0011628, OMIM 606054, HP:0003571.

Submission:

Myriad Genetics, Inc.
Classification: Pathogenic for Propionic acidemia. Last evaluated: 2026-03-08. Review status: criteria provided, single submitter. Criteria: Myriad Autosomal Dominant, Autosomal Recessive and X-Linked Classification Criteria (2023). Collection method: clinical testing. Allele origin: unknown.
Comment: NM_000282.3(PCCA):c.448A>T(K150*) is expected to be pathogenic in the context of PCCA-related propionic acidemia. This variant is predicted to lead to an abnormal or absent protein product due to the creation of a premature termination codon in PCCA, a gene where loss-of-function variants are known to be pathogenic. Please note: this variant was assessed in the context of healthy population screening.

NM_000282.4(PCCA):c.448A>T (p.Lys150Ter)

Gene: PCCA (propionyl-CoA carboxylase subunit alpha; plus strand). Cytogenetic location: 13q32.3.
Variant type: single nucleotide variant.
Coding change: c.448A>T on transcript NM_000282.4 (MANE Select); coding-DNA position 448, A replaced by T.
Protein change: p.Lys150Ter; replaces lysine 150 with a stop codon.
Molecular consequence: nonsense. On other transcripts: 5 prime UTR variant (3), non-coding transcript variant (5).
Genome position (GRCh38, 1-based): chr13:100,157,320, A>T. VCF-style: chr13-100157320-A-T. GRCh37 (hg19) VCF-style: chr13-100809574-A-T.
Other names: c.370A>T, p.Lys124Ter (NM_001127692.3, NM_001352607.2, NM_001352608.2); c.448A>T, p.Lys150Ter (NM_001178004.2, NM_001352605.2, NM_001352606.2 and 1 more transcripts); c.-419A>T (NM_001352610.2, NM_001352611.2, NM_001352612.2); short protein forms K124*, K150*.
Identifiers: ClinVar variation 5015654 (VCV005015654.1).